The following is an entry in ClinVar:

NM_015100.4(POGZ):c.1630C>G (p.Gln544Glu)

Gene: POGZ (pogo transposable element derived with ZNF domain; minus strand). Cytogenetic location: 1q21.3.
Variant type: single nucleotide variant.
Coding change: c.1630C>G on transcript NM_015100.4 (MANE Select); coding-DNA position 1630, C replaced by G.
Protein change: p.Gln544Glu; replaces glutamine 544 with glutamic acid.
Molecular consequence: missense variant.
Genome position (GRCh38, 1-based): chr1:151,423,445, G>C on the plus strand (C>G on the coding strand, the complement: POGZ is on the minus strand). VCF-style: chr1-151423445-G-C. GRCh37 (hg19) VCF-style: chr1-151395921-G-C.
Other names: c.1603C>G, p.Gln535Glu (NM_001194937.2); c.1444C>G, p.Gln482Glu (NM_001194938.2); c.1651C>G, p.Gln551Glu (NM_001410860.1); c.1345C>G, p.Gln449Glu (NM_145796.4); c.1471C>G, p.Gln491Glu (NM_207171.2); short protein forms Q449E, Q482E, Q491E, Q535E, Q544E, Q551E.
Identifiers: ClinVar variation 4846899 (VCV004846899.1).

ClinVar aggregate classification (germline): Uncertain significance (1 of 4 stars; one submission).

Conditions:
Intellectual disability-microcephaly-strabismus-behavioral abnormalities syndrome. Also called: White-Sutton Syndrome. Identifiers: Orphanet 468678, MedGen C4225351, MONDO:0014606, OMIM 616364.

Submission:

Laboratorio de Genetica e Diagnostico Molecular, Hospital Israelita Albert Einstein
Classification: Uncertain significance for Intellectual disability-microcephaly-strabismus-behavioral abnormalities syndrome. Last evaluated: 2026-03-23. Review status: criteria provided, single submitter. Criteria: ACMG Guidelines, 2015. Collection method: clinical testing. Allele origin: germline. Affected: yes.
Comment: ACMG classification criteria: PM2 supporting, PP2 supporting, BP4 supporting